The following is an entry in ClinVar:

ClinVar aggregate classification (germline): Likely benign. Review status: criteria provided, multiple submitters, no conflicts (2 of 4 stars). 2 submissions from 2 submitters: Likely benign (2). Last evaluated 2023-10-02.

Conditions:
Catecholaminergic polymorphic ventricular tachycardia 1. Also called: VENTRICULAR TACHYCARDIA, CATECHOLAMINERGIC POLYMORPHIC, 1, WITH OR WITHOUT ATRIAL DYSFUNCTION AND/OR DILATED CARDIOMYOPATHY; RYR2-Related Catecholaminergic Polymorphic Ventricular Tachycardia; VENTRICULAR TACHYCARDIA, STRESS-INDUCED POLYMORPHIC 1. Identifiers: Orphanet 3286, MedGen C1631597, MONDO:0011484, OMIM 604772.
Catecholaminergic polymorphic ventricular tachycardia (CVPT). Also called: Catecholamine-induced polymorphic ventricular tachycardia. Identifiers: Orphanet 3286, MedGen C5574922, MONDO:0017990.

gnomAD v4.1: 12 of 1,606,412 alleles (0.00075%); highest among the groups gnomAD compares: East Asian, 0.0022%; no homozygotes.

Submissions (2):

All of Us Research Program, National Institutes of Health
Classification: Likely benign for Catecholaminergic polymorphic ventricular tachycardia. Last evaluated: 2023-10-02. Review status: criteria provided, single submitter. Criteria: ACMG Guidelines, 2015. Collection method: clinical testing. Allele origin: germline. Inheritance: Autosomal dominant inheritance. Observed: 1 variant allele, 1 heterozygote.
Comment: This study involves interpretation of variants in research participants for the purpose of population health screening. Participant phenotype was not available at the time of variant classification. Additional details can be found in publication PMID: 35346344, PMCID: PMC8962531

Labcorp Genetics (formerly Invitae), Labcorp
Classification: Likely benign for Catecholaminergic polymorphic ventricular tachycardia 1. Last evaluated: 2022-07-26. Review status: criteria provided, single submitter. Criteria: Invitae Variant Classification Sherloc (09022015). Collection method: clinical testing. Allele origin: germline.

NM_001035.3(RYR2):c.2832G>A (p.Leu944=)

Gene: RYR2 (ryanodine receptor 2; plus strand). Cytogenetic location: 1q43.
Variant type: single nucleotide variant.
Coding change: c.2832G>A on transcript NM_001035.3 (MANE Select); coding-DNA position 2832, G replaced by A.
Protein change: p.Leu944=; no amino-acid change (leucine 944 retained).
Molecular consequence: synonymous variant.
Genome position (GRCh38, 1-based): chr1:237,530,436, G>A. VCF-style: chr1-237530436-G-A. GRCh37 (hg19) VCF-style: chr1-237693736-G-A.
Identifiers: ClinVar variation 1117058 (VCV001117058.11), dbSNP rs2147939984, ClinGen allele CA423817635.
Genomic context (GRCh38, chr1:237,530,436, plus strand): 5'-TCTGGACATAGAGAAGAAATGATCACACTTATCTCTGGTTTTGTTTTCCAGGACTTTGTT[G>A]GCATTAGGATGTCATGTGGGTATATCAGATGAACATGCTGAAGACAAGGTGAAAAAAATG-3'
Protein context (NP_001026.2, residues 934-954): QMSLETLKTL[Leu944=]ALGCHVGISD